The following is an entry in ClinVar:

NM_025132.4(WDR19):c.3146C>T (p.Ser1049Leu)

Gene: WDR19 (WD repeat domain 19; plus strand). Cytogenetic location: 4p14.
Variant type: single nucleotide variant.
Coding change: c.3146C>T on transcript NM_025132.4 (MANE Select); coding-DNA position 3146, C replaced by T.
Protein change: p.Ser1049Leu; replaces serine 1049 with leucine.
Molecular consequence: missense variant.
Genome position (GRCh38, 1-based): chr4:39,257,517, C>T. VCF-style: chr4-39257517-C-T. GRCh37 (hg19) VCF-style: chr4-39259137-C-T.
Other names: c.2666C>T, p.Ser889Leu (NM_001317924.2); short protein forms S889L, S1049L.
Identifiers: ClinVar variation 848571 (VCV000848571.8), dbSNP rs763748984, ClinGen allele CA2892277.

ClinVar aggregate classification (germline): Uncertain significance. Review status: criteria provided, multiple submitters, no conflicts (2 of 4 stars). 2 submissions from 2 submitters: Uncertain significance (2). Last evaluated 2022-04-12.

Conditions:
Asphyxiating thoracic dystrophy 5 (SRTD5). Also called: SHORT-RIB THORACIC DYSPLASIA 5 WITH OR WITHOUT POLYDACTYLY; SHORT-RIB THORACIC DYSPLASIA 5 WITHOUT POLYDACTYLY. Identifiers: Orphanet 474, MedGen C3280598, MONDO:0013717, OMIM 614376.
Nephronophthisis 13 (NPHP13). Identifiers: Orphanet 655, MedGen C3280612, MONDO:0013718, OMIM 614377.
Cranioectodermal dysplasia 4 (CED4). Identifiers: Orphanet 1515, MedGen C3280616, MONDO:0013719, OMIM 614378.
Spermatogenic failure 72 (SPGF72). Identifiers: MedGen C5676980, MONDO:0030809, OMIM 619867.
Senior-Loken syndrome 8 (SLSN8). Identifiers: Orphanet 3156, MedGen C4225376, MONDO:0014579, OMIM 616307.

Allele frequency attached by ClinVar (database versions not stated): gnomAD 0.00001; gnomAD exomes 0.00001; ExAC 0.00005.
gnomAD v4.1: 9 of 1,589,378 alleles (0.00057%); highest among the groups gnomAD compares: African/African-American, 0.0027%; no homozygotes.

Submissions (2):

Fulgent Genetics
Classification: Uncertain significance for Asphyxiating thoracic dystrophy 5; Nephronophthisis 13; Cranioectodermal dysplasia 4; Senior-Loken syndrome 8; Spermatogenic failure 72. Last evaluated: 2022-04-12. Review status: criteria provided, single submitter. Criteria: ACMG Guidelines, 2015. Collection method: clinical testing. Allele origin: unknown.

Labcorp Genetics (formerly Invitae), Labcorp
Classification: Uncertain significance for Senior-Loken syndrome 8; Asphyxiating thoracic dystrophy 5. Last evaluated: 2021-08-24. Review status: criteria provided, single submitter. Criteria: Invitae Variant Classification Sherloc (09022015). Collection method: clinical testing. Allele origin: germline.
Comment: This sequence change replaces serine with leucine at codon 1049 of the WDR19 protein (p.Ser1049Leu). The serine residue is moderately conserved and there is a large physicochemical difference between serine and leucine. This variant is present in population databases (rs763748984, ExAC 0.05%). This variant has not been reported in the literature in individuals affected with WDR19-related conditions. Algorithms developed to predict the effect of missense changes on protein structure and function (SIFT, PolyPhen-2, Align-GVGD) all suggest that this variant is likely to be tolerated. In summary, the available evidence is currently insufficient to determine the role of this variant in disease. Therefore, it has been classified as a Variant of Uncertain Significance.